The following is an entry in ClinVar:

ClinVar aggregate classification (germline): Pathogenic (1 of 4 stars; one submission).

Conditions:
Hereditary hemorrhagic telangiectasia (HHT). Also called: ORW DISEASE; Osler Weber Rendu syndrome; OSLER-RENDU-WEBER DISEASE; Osler hemorrhagic telangiectasia syndrome. Identifiers: Orphanet 774, MedGen C0039445, MONDO:0019180. Disease mechanism: loss of function.

Submission:

Labcorp Genetics (formerly Invitae), Labcorp
Classification: Pathogenic for Hereditary hemorrhagic telangiectasia. Last evaluated: 2024-12-23. Review status: criteria provided, single submitter. Criteria: Invitae Variant Classification Sherloc (09022015). Collection method: clinical testing. Allele origin: germline.
Comment: This sequence change creates a premature translational stop signal (p.Val315Glyfs*18) in the ENG gene. It is expected to result in an absent or disrupted protein product. Loss-of-function variants in ENG are known to be pathogenic (PMID: 15879500). This variant is not present in population databases (gnomAD no frequency). This variant has not been reported in the literature in individuals affected with ENG-related conditions. ClinVar contains an entry for this variant (Variation ID: 2076490). For these reasons, this variant has been classified as Pathogenic.

Literature cited by the submitters: PubMed 15879500.

NM_001114753.3(ENG):c.944_945del (p.Val315fs)

Gene: ENG (endoglin; minus strand). Cytogenetic location: 9q34.11.
Variant type: Deletion.
Coding change: c.944_945del on transcript NM_001114753.3 (MANE Select); coding-DNA positions 944 to 945, 2 bases deleted (TG; older notation c.944_945delTG).
Protein change: p.Val315fs; shifts the reading frame from valine 315.
Molecular consequence: frameshift variant.
Genome position (GRCh38, 1-based): chr9:127,824,846-127,824,847, CA deleted on the plus strand (TG on the coding strand, the reverse complement: ENG is on the minus strand); deleting any 2 consecutive bases within chr9:127,824,846-127,824,848 gives the same sequence; the c. name uses the placement nearest the transcript's 3' end. VCF-style (leftmost placement, unchanged base first): chr9-127824845-CCA-C. GRCh37 (hg19) VCF-style: chr9-130587124-CCA-C.
Other names: c.943_944delGT, p.Val315Glyfs (NM_000118.4, NM_001406715.1); c.398_399del, p.Val133fs (NM_001278138.2); short protein forms V133fs, V315fs.
Identifiers: ClinVar variation 2076490 (VCV002076490.4), dbSNP rs2539072820, ClinGen allele CA2580079634.
Genomic context (GRCh38, chr9:127,824,845, plus strand): 5'-GGGAAGGGTGCTCACCGCAGCTGGAGGCATGAAGTGAGACAATGCTGGCCAGCGGTAGCT[CCA>C]CGAAGGATGCCACAATGCTGGCATTGAGCATCCGGGCCTCCCCCAGGAGGCCTTGAGGTG-3'